The following is an entry in ClinVar:

NM_006389.5(HYOU1):c.1837A>G (p.Lys613Glu)

Gene: HYOU1 (hypoxia up-regulated 1; minus strand). Cytogenetic location: 11q23.3.
Variant type: single nucleotide variant.
Coding change: c.1837A>G on transcript NM_006389.5 (MANE Select); coding-DNA position 1837, A replaced by G.
Protein change: p.Lys613Glu; replaces lysine 613 with glutamic acid.
Molecular consequence: missense variant.
Genome position (GRCh38, 1-based): chr11:119,049,173, T>C on the plus strand (A>G on the coding strand, the complement: HYOU1 is on the minus strand). VCF-style: chr11-119049173-T-C. GRCh37 (hg19) VCF-style: chr11-118919885-T-C.
Other names: c.1837A>G, p.Lys613Glu (NM_001130991.3, NM_001411041.1); short protein forms K613E.
Identifiers: ClinVar variation 1714202 (VCV001714202.5), dbSNP rs2497130546, ClinGen allele CA382931709.

ClinVar aggregate classification (germline): Uncertain significance (1 of 4 stars; one submission).

Allele frequency attached by ClinVar (database versions not stated): gnomAD exomes below 0.00001.
gnomAD v4.1: 1 of 1,608,478 alleles (0.000062%); highest among the groups gnomAD compares: Non-Finnish European, 0.000085%; no homozygotes.

Submission:

Labcorp Genetics (formerly Invitae), Labcorp
Classification: Uncertain significance. Last evaluated: 2022-08-01. Review status: criteria provided, single submitter. Criteria: Invitae Variant Classification Sherloc (09022015). Collection method: clinical testing. Allele origin: germline.
Comment: In summary, the available evidence is currently insufficient to determine the role of this variant in disease. Therefore, it has been classified as a Variant of Uncertain Significance. Algorithms developed to predict the effect of missense changes on protein structure and function are either unavailable or do not agree on the potential impact of this missense change (SIFT: "Not Available"; PolyPhen-2: "Benign"; Align-GVGD: "Not Available"). This variant has not been reported in the literature in individuals affected with HYOU1-related conditions. This variant is not present in population databases (gnomAD no frequency). This sequence change replaces lysine, which is basic and polar, with glutamic acid, which is acidic and polar, at codon 613 of the HYOU1 protein (p.Lys613Glu).